The following is an entry in ClinVar:

NM_004186.5(SEMA3F):c.1385G>A (p.Arg462His)

Gene: SEMA3F (semaphorin 3F; plus strand). Cytogenetic location: 3p21.31.
Variant type: single nucleotide variant.
Coding change: c.1385G>A on transcript NM_004186.5 (MANE Select); coding-DNA position 1385, G replaced by A.
Protein change: p.Arg462His; replaces arginine 462 with histidine.
Molecular consequence: missense variant.
Genome position (GRCh38, 1-based): chr3:50,184,743, G>A. VCF-style: chr3-50184743-G-A. GRCh37 (hg19) VCF-style: chr3-50222176-G-A.
Other names: c.1088G>A, p.Arg363His (NM_001318798.2); c.1292G>A, p.Arg431His (NM_001318800.2); short protein forms R462H, R363H, R431H.
Identifiers: ClinVar variation 4989865 (VCV004989865.1).
Genomic context (GRCh38, chr3:50,184,743, plus strand): 5'-ACCAGGCCGTGTACCCTCTGCAGCGGCGGCCCCTGGTAGTCCGCACAGGTGCTCCCTACC[G>A]CCTTACCACTATTGCCGTGGACCAGGTGGATGCAGCCGACGGGCGCTATGAGGTGCTTTT-3'
Protein context (NP_004177.3, residues 452-472): PLVVRTGAPY[Arg462His]LTTIAVDQVD

ClinVar aggregate classification (germline): Uncertain significance (1 of 4 stars; one submission).

Conditions:
SEMA3F-related disorder. Also called: SEMA3F-related condition.

gnomAD v4.1: 15 of 1,613,950 alleles (0.00093%); highest among the groups gnomAD compares: Admixed American, 0.005%; no homozygotes.

Submission:

PreventionGenetics, part of Exact Sciences
Classification: Uncertain significance for SEMA3F-related condition. Last evaluated: 2026-04-08. Review status: criteria provided, single submitter. Criteria: ACMG Guidelines, 2015. Collection method: clinical testing. Allele origin: germline.
Comment: The SEMA3F c.1385G>A variant is predicted to result in the amino acid substitution p.Arg462His. To our knowledge, this variant has not been reported in the literature. This variant is reported in 0.0029% of alleles in individuals of Latino descent in gnomAD. At this time, the clinical significance of this variant is uncertain due to the absence of conclusive functional and genetic evidence.